The following is an entry in ClinVar:

NM_000465.4(BARD1):c.2149A>C (p.Ile717Leu)

Gene: BARD1 (BRCA1 associated RING domain 1; minus strand). Cytogenetic location: 2q35.
Variant type: single nucleotide variant.
Coding change: c.2149A>C on transcript NM_000465.4 (MANE Select); coding-DNA position 2149, A replaced by C.
Protein change: p.Ile717Leu; replaces isoleucine 717 with leucine.
Molecular consequence: missense variant. On other transcripts: non-coding transcript variant (3).
Genome position (GRCh38, 1-based): chr2:214,728,861, T>G on the plus strand (A>C on the coding strand, the complement: BARD1 is on the minus strand). VCF-style: chr2-214728861-T-G. GRCh37 (hg19) VCF-style: chr2-215593585-T-G.
Other names: c.2092A>C, p.Ile698Leu (NM_001282543.2); c.796A>C, p.Ile266Leu (NM_001282545.2); c.739A>C, p.Ile247Leu (NM_001282548.2); c.610A>C, p.Ile204Leu (NM_001282549.2); c.2149A>C (NM_000465.2); short protein forms I204L, I247L, I717L, I266L, I698L.
Identifiers: ClinVar variation 2733632 (VCV002733632.4), dbSNP rs2469269747, ClinGen allele CA350450475.
Genomic context (GRCh38, chr2:214,728,861, plus strand): 5'-TATACTGTGTGCAGAAGCGCTGATCAGAATCGGGTCTCGCATGGTATGCGACTGTATTGA[T>G]GGTCTGAGTCACGTCACTGTCTGGCTTGGGCTTTCTACTGAGGATCTGGCCCCCACCTGC-3'
Protein context (NP_000456.2, residues 707-727): PKPDSDVTQT[Ile717Leu]NTVAYHARPD

ClinVar aggregate classification (germline): Uncertain significance. Review status: criteria provided, multiple submitters, no conflicts (2 of 4 stars). 2 submissions from 2 submitters: Uncertain significance (2). Last evaluated 2026-01-19.

Conditions:
Familial cancer of breast. Also called: Hereditary breast cancer; BREAST CANCER, FAMILIAL; hereditary breast carcinoma. Identifiers: Orphanet 227535, MedGen C0346153, MONDO:0016419, OMIM 114480. Disease mechanism: loss of function.
Hereditary cancer-predisposing syndrome. Also called: Tumor predisposition; Hereditary Cancer Syndrome; Hereditary neoplastic syndrome; Neoplastic Syndromes, Hereditary. Identifiers: Orphanet 140162, MedGen C0027672, MeSH D009386, MONDO:0015356.

Submissions (2):

Ambry Genetics
Classification: Uncertain significance for Hereditary cancer-predisposing syndrome. Last evaluated: 2026-01-19. Review status: criteria provided, single submitter. Criteria: Ambry Variant Classification Scheme 2023. Collection method: clinical testing. Allele origin: germline.
Comment: The p.I717L variant (also known as c.2149A>C), located in coding exon 11 of the BARD1 gene, results from an A to C substitution at nucleotide position 2149. The isoleucine at codon 717 is replaced by leucine, an amino acid with highly similar properties. This amino acid position is conserved. In addition, this alteration is predicted to be tolerated by in silico analysis. Based on the available evidence, the clinical significance of this variant remains unclear.

Labcorp Genetics (formerly Invitae), Labcorp
Classification: Uncertain significance for Familial cancer of breast. Last evaluated: 2024-05-05. Review status: criteria provided, single submitter. Criteria: Invitae Variant Classification Sherloc (09022015). Collection method: clinical testing. Allele origin: germline.
Comment: This sequence change replaces isoleucine, which is neutral and non-polar, with leucine, which is neutral and non-polar, at codon 717 of the BARD1 protein (p.Ile717Leu). This variant is not present in population databases (gnomAD no frequency). This variant has not been reported in the literature in individuals affected with BARD1-related conditions. An algorithm developed to predict the effect of missense changes on protein structure and function (PolyPhen-2) suggests that this variant is likely to be tolerated. In summary, the available evidence is currently insufficient to determine the role of this variant in disease. Therefore, it has been classified as a Variant of Uncertain Significance.